The following is an entry in ClinVar:

NM_001145026.2(PTPRQ):c.1195G>A (p.Ala399Thr)

Gene: PTPRQ (protein tyrosine phosphatase receptor type Q; plus strand). Cytogenetic location: 12q21.31.
Variant type: single nucleotide variant.
Coding change: c.1195G>A on transcript NM_001145026.2 (MANE Select); coding-DNA position 1195, G replaced by A.
Protein change: p.Ala399Thr; replaces alanine 399 with threonine.
Molecular consequence: missense variant.
Genome position (GRCh38, 1-based): chr12:80,484,441, G>A. VCF-style: chr12-80484441-G-A. GRCh37 (hg19) VCF-style: chr12-80878220-G-A.
Other names: short protein forms A399T.
Identifiers: ClinVar variation 4281999 (VCV004281999.1).

ClinVar aggregate classification (germline): Uncertain significance (1 of 4 stars; one submission).

Submission:

GeneDx
Classification: Uncertain significance. Last evaluated: 2025-04-14. Review status: criteria provided, single submitter. Criteria: GeneDx Variant Classification Process June 2021. Collection method: clinical testing. Allele origin: germline. Affected: yes.
Comment: Not observed at significant frequency in large population cohorts (gnomAD); In silico analysis supports that this missense variant has a deleterious effect on protein structure/function; Has not been previously published as pathogenic or benign to our knowledge